The following is an entry in ClinVar:

NM_005956.4(MTHFD1):c.1417A>G (p.Lys473Glu)

Gene: MTHFD1 (methylenetetrahydrofolate dehydrogenase, cyclohydrolase and formyltetrahydrofolate synthetase 1; plus strand). Cytogenetic location: 14q23.3.
Variant type: single nucleotide variant.
Coding change: c.1417A>G on transcript NM_005956.4 (MANE Select); coding-DNA position 1417, A replaced by G.
Protein change: p.Lys473Glu; replaces lysine 473 with glutamic acid.
Molecular consequence: missense variant.
Genome position (GRCh38, 1-based): chr14:64,431,637, A>G. VCF-style: chr14-64431637-A-G. GRCh37 (hg19) VCF-style: chr14-64898355-A-G.
Other names: c.1417A>G, p.Lys473Glu (NM_001364837.1); short protein forms K473E.
Identifiers: ClinVar variation 1967721 (VCV001967721.2), dbSNP rs764445995, ClinGen allele CA7226230.

ClinVar aggregate classification (germline): Uncertain significance (1 of 4 stars; one submission).

Allele frequency attached by ClinVar (database versions not stated): TOPMed below 0.00001; ExAC 0.00001; gnomAD exomes 0.00001.
gnomAD v4.1: 15 of 1,613,976 alleles (0.00093%); highest among the groups gnomAD compares: South Asian, 0.0033%; no homozygotes.

Submission:

Labcorp Genetics (formerly Invitae), Labcorp
Classification: Uncertain significance. Last evaluated: 2022-02-27. Review status: criteria provided, single submitter. Criteria: Invitae Variant Classification Sherloc (09022015). Collection method: clinical testing. Allele origin: germline.
Comment: This sequence change replaces lysine, which is basic and polar, with glutamic acid, which is acidic and polar, at codon 473 of the MTHFD1 protein (p.Lys473Glu). This variant is present in population databases (rs764445995, gnomAD 0.003%). This variant has not been reported in the literature in individuals affected with MTHFD1-related conditions. Algorithms developed to predict the effect of missense changes on protein structure and function are either unavailable or do not agree on the potential impact of this missense change (SIFT: "Tolerated"; PolyPhen-2: "Possibly Damaging"; Align-GVGD: "Class C0"). In summary, the available evidence is currently insufficient to determine the role of this variant in disease. Therefore, it has been classified as a Variant of Uncertain Significance.